The following is an entry in ClinVar:

ClinVar aggregate classification (germline): Uncertain significance (1 of 4 stars; one submission).

gnomAD v4.1: 5 of 1,613,642 alleles (0.00031%); highest among the groups gnomAD compares: African/African-American, 0.0013%; no homozygotes.

Submission:

Labcorp Genetics (formerly Invitae), Labcorp
Classification: Uncertain significance. Last evaluated: 2024-02-05. Review status: criteria provided, single submitter. Criteria: Invitae Variant Classification Sherloc (09022015). Collection method: clinical testing. Allele origin: germline.
Comment: This sequence change replaces valine, which is neutral and non-polar, with alanine, which is neutral and non-polar, at codon 1839 of the USH2A protein (p.Val1839Ala). This variant is not present in population databases (gnomAD no frequency). This variant has not been reported in the literature in individuals affected with USH2A-related conditions. ClinVar contains an entry for this variant (Variation ID: 1348168). Advanced modeling of protein sequence and biophysical properties (such as structural, functional, and spatial information, amino acid conservation, physicochemical variation, residue mobility, and thermodynamic stability) performed at Invitae indicates that this missense variant is not expected to disrupt USH2A protein function with a negative predictive value of 95%. In summary, the available evidence is currently insufficient to determine the role of this variant in disease. Therefore, it has been classified as a Variant of Uncertain Significance.

NM_206933.4(USH2A):c.5516T>C (p.Val1839Ala)

Genes: USH2A (usherin; minus strand), USH2A-AS2 (USH2A antisense RNA 2; plus strand). Cytogenetic location: 1q41.
Variant type: single nucleotide variant.
Coding change: c.5516T>C on transcript NM_206933.4 (MANE Select); coding-DNA position 5516, T replaced by C.
Protein change: p.Val1839Ala; replaces valine 1839 with alanine.
Molecular consequence: missense variant.
Genome position (GRCh38, 1-based): chr1:216,078,145, A>G on the plus strand (T>C on the coding strand, the complement: USH2A is on the minus strand). VCF-style: chr1-216078145-A-G. GRCh37 (hg19) VCF-style: chr1-216251487-A-G.
Other names: short protein forms V1839A.
Identifiers: ClinVar variation 1348168 (VCV001348168.5), dbSNP rs886039867, ClinGen allele CA344855837.